The following is an entry in ClinVar:

NC_000001.10:g.(?_241661128)_(244218672_?)del

Genes: PLD5 (phospholipase D family member 5; minus strand), MAP1LC3C (microtubule associated protein 1 light chain 3 gamma; minus strand), OPN3 (opsin 3; minus strand), KMO (kynurenine 3-monooxygenase; plus strand), AKT3 (AKT serine/threonine kinase 3; minus strand) and 7 more. Cytogenetic location: 1q43-44.
Variant type: Deletion.
Identifiers: ClinVar variation 2427727 (VCV002427727.4).

ClinVar aggregate classification (germline): Uncertain significance (1 of 4 stars; one submission).

Submission:

Labcorp Genetics (formerly Invitae), Labcorp
Classification: Uncertain significance. Last evaluated: 2022-09-19. Review status: criteria provided, single submitter. Criteria: Invitae Variant Classification Sherloc (09022015). Collection method: clinical testing. Allele origin: germline.
Comment: A gross deletion of the genomic region encompassing the full coding sequence of the ZBTB18 gene has been identified. The current clinical and genetic evidence is not sufficient to establish whether loss-of-function variants in ZBTB18 cause disease. The boundaries of this event are unknown as they extend beyond the assayed region for this gene and therefore may encompass additional genes. Isolated whole-gene deletions of ZBTB18 have not been reported in the literature. However, larger copy number events that include this gene have been reported (PMID: 21800092, 23494996). In summary, the available evidence is currently insufficient to determine the role of this variant in disease. Therefore, it has been classified as a Variant of Uncertain Significance.

Literature cited by the submitters: PubMed 21800092; PubMed 23494996.